The following is an entry in ClinVar:

ClinVar aggregate classification (germline): Likely benign. Review status: criteria provided, multiple submitters, no conflicts (2 of 4 stars). 2 submissions from 2 submitters: Likely benign (2). Last evaluated 2026-01-11.

Allele frequency attached by ClinVar (database versions not stated): ExAC 0.00005.
gnomAD v4.1: 209 of 1,613,338 alleles (0.013%); highest among the groups gnomAD compares: Non-Finnish European, 0.016%; no homozygotes.

Submissions (2):

Labcorp Genetics (formerly Invitae), Labcorp
Classification: Likely benign. Last evaluated: 2026-01-11. Review status: criteria provided, single submitter. Criteria: Invitae Variant Classification Sherloc (09022015). Collection method: clinical testing. Allele origin: germline.

Mayo Clinic Laboratories, Mayo Clinic
Classification: Likely benign. Last evaluated: 2025-04-22. Review status: criteria provided, single submitter. Criteria: ACMG Guidelines, 2015. Collection method: clinical testing. Allele origin: germline. Observed: 1 variant allele.
Comment: BP4, BP7

NM_000082.4(ERCC8):c.933A>G (p.Pro311=)

Gene: ERCC8 (ERCC excision repair 8, CSA ubiquitin ligase complex subunit; minus strand). Cytogenetic location: 5q12.1.
Variant type: single nucleotide variant.
Coding change: c.933A>G on transcript NM_000082.4 (MANE Select); coding-DNA position 933, A replaced by G.
Protein change: p.Pro311=; no amino-acid change (proline 311 retained).
Molecular consequence: synonymous variant.
Genome position (GRCh38, 1-based): chr5:60,890,997, T>C on the plus strand (A>G on the coding strand, the complement: ERCC8 is on the minus strand). VCF-style: chr5-60890997-T-C. GRCh37 (hg19) VCF-style: chr5-60186824-T-C.
Other names: p.Pro311=; c.759A>G, p.Pro253= (NM_001007233.3); c.474A>G, p.Pro158= (NM_001290285.2).
Identifiers: ClinVar variation 2075661 (VCV002075661.5), dbSNP rs199805243, ClinGen allele CA3277682.